The following is an entry in ClinVar:

NM_001244008.2(KIF1A):c.2164AAGTGG[3] (p.722KW[3])

Gene: KIF1A (kinesin family member 1A; minus strand). Cytogenetic location: 2q37.3.
Variant type: Microsatellite.
Coding change: c.2164AAGTGG[3] on transcript NM_001244008.2 (MANE Select); three copies in a row of the 6-base unit AAGTGG starting at c.2164; the reference has two copies in a row; one copy, 6 bases duplicated.
Protein change: p.722KW[3].
Molecular consequence: inframe insertion.
Genome position (GRCh38, 1-based): chr2:240,761,319-240,761,324, CCACTT duplicated on the plus strand (AAGTGG on the coding strand, the reverse complement: KIF1A is on the minus strand); duplicating any 6 consecutive bases within chr2:240,761,319-240,761,332 gives the same sequence; the position shown is the placement nearest the transcript's 3' end. VCF-style (leftmost placement, unchanged base first): chr2-240761318-A-ACCACTT. GRCh37 (hg19) VCF-style: chr2-241700735-A-ACCACTT.
Other names: c.2170_2175dupAAGTGG (NM_001244008.2); c.2164AAGTGG[3], p.722KW[3] (NM_001320705.2, NM_001330289.2, NM_001379638.1); c.2239AAGTGG[3], p.747KW[3] (NM_001330290.2, NM_001379631.1, NM_001379634.1 and 2 more transcripts); c.2137AAGTGG[3], p.713KW[3] (NM_001379632.1, NM_001379633.1, NM_001379636.1 and 10 more transcripts); c.2212AAGTGG[3], p.738KW[3] (NM_001379637.1, NM_001379648.1).
Identifiers: ClinVar variation 1678583 (VCV001678583.2), dbSNP rs2125894377, ClinGen allele CA1139768711.

ClinVar aggregate classification (germline): Uncertain significance (1 of 4 stars; one submission).

Conditions:
Hereditary spastic paraplegia 30. Identifiers: Orphanet 101010, MedGen C5235139, MONDO:0012476.

Submission:

Molecular Genetics, Royal Melbourne Hospital
Classification: Uncertain significance for Hereditary spastic paraplegia 30. Last evaluated: 2023-03-30. Review status: criteria provided, single submitter. Criteria: ACMG Guidelines, 2015. Collection method: clinical testing. Allele origin: germline.
Comment: This sequence change is an inframe duplication of 6 bp predicted to cause the duplication of lysine and tryptophan at position 724 and 725 of the KIF1A protein (p.(Lys724_Trp725dup)). The region duplicated is highly conserved (100 vertebrates, UCSC), and is located in a nonrepeat region that is not a known functional domain. The variant is absent in a large population cohort (gnomAD v2.1 and v3.1), and has not been reported in the relevant medical literature or databases. Based on the classification scheme RMH Modified ACMG Guidelines v1.3.1, this variant is classified as a VARIANT OF UNCERTAIN SIGNIFICANCE. Following criteria are met: PM4, PM2_Supporting.